The following is an entry in ClinVar:

NM_005918.4(MDH2):c.712G>A (p.Val238Ile)

Gene: MDH2 (malate dehydrogenase 2; plus strand). Cytogenetic location: 7q11.23.
Variant type: single nucleotide variant.
Coding change: c.712G>A on transcript NM_005918.4 (MANE Select); coding-DNA position 712, G replaced by A.
Protein change: p.Val238Ile; replaces valine 238 with isoleucine.
Molecular consequence: missense variant.
Genome position (GRCh38, 1-based): chr7:76,064,417, G>A. VCF-style: chr7-76064417-G-A. GRCh37 (hg19) VCF-style: chr7-75693735-G-A.
Other names: c.586G>A, p.Val196Ile (NM_001282403.2); c.391G>A, p.Val131Ile (NM_001282404.2); short protein forms V131I, V196I, V238I.
Identifiers: ClinVar variation 3730614 (VCV003730614.2).

ClinVar aggregate classification (germline): Uncertain significance (1 of 4 stars; one submission).

Submission:

Labcorp Genetics (formerly Invitae), Labcorp
Classification: Uncertain significance. Last evaluated: 2025-01-26. Review status: criteria provided, single submitter. Criteria: Invitae Variant Classification Sherloc (09022015). Collection method: clinical testing. Allele origin: germline.
Comment: This sequence change replaces valine, which is neutral and non-polar, with isoleucine, which is neutral and non-polar, at codon 238 of the MDH2 protein (p.Val238Ile). This variant is not present in population databases (gnomAD no frequency). This variant has not been reported in the literature in individuals affected with MDH2-related conditions. Invitae Evidence Modeling of protein sequence and biophysical properties (such as structural, functional, and spatial information, amino acid conservation, physicochemical variation, residue mobility, and thermodynamic stability) has been performed for this missense variant. However, the output from this modeling did not meet the statistical confidence thresholds required to predict the impact of this variant on MDH2 protein function. In summary, the available evidence is currently insufficient to determine the role of this variant in disease. Therefore, it has been classified as a Variant of Uncertain Significance.